The following is an entry in ClinVar:

ClinVar aggregate classification (germline): Uncertain significance. Review status: criteria provided, multiple submitters, no conflicts (2 of 4 stars). 4 submissions from 4 submitters: Uncertain significance (4). Last evaluated 2025-10-29.

Conditions:
Episodic ataxia type 2 (EA2). Also called: ATAXIA, EPISODIC, WITH NYSTAGMUS; ATAXIA, FAMILIAL PAROXYSMAL; CEREBELLAR ATAXIA, PAROXYSMAL, ACETAZOLAMIDE-RESPONSIVE; CEREBELLOPATHY, HEREDITARY PAROXYSMAL; EPISODIC ATAXIA, NYSTAGMUS-ASSOCIATED; ACETAZOLAMIDE-RESPONSIVE HEREDITARY PAROXYSMAL CEREBELLAR ATAXIA. Identifiers: Orphanet 97, MedGen C1720416, MONDO:0007163, OMIM 108500.
Developmental and epileptic encephalopathy, 42 (DEE42A). Also called: Epileptic encephalopathy, early infantile, 42; DEVELOPMENTAL AND EPILEPTIC ENCEPHALOPATHY 42A; EPILEPTIC ENCEPHALOPATHY, EARLY INFANTILE, 42A. Identifiers: MedGen C4310716, MONDO:0014917, OMIM 617106.
Inborn genetic diseases. Identifiers: MedGen C0950123, MeSH D030342.

Allele frequency attached by ClinVar (database versions not stated): gnomAD exomes below 0.00001; gnomAD 0.00002; TOPMed 0.00006.
gnomAD v4.1: 5 of 1,498,646 alleles (0.00033%); highest among the groups gnomAD compares: Admixed American, 0.0094%; no homozygotes.

Submissions (4):

Labcorp Genetics (formerly Invitae), Labcorp
Classification: Uncertain significance for Developmental and epileptic encephalopathy, 42; Episodic ataxia type 2. Last evaluated: 2025-10-29. Review status: criteria provided, single submitter. Criteria: Invitae Variant Classification Sherloc (09022015). Collection method: clinical testing. Allele origin: germline.
Comment: This sequence change replaces alanine, which is neutral and non-polar, with valine, which is neutral and non-polar, at codon 10 of the CACNA1A protein (p.Ala10Val). This variant is not present in population databases (gnomAD no frequency). This variant has not been reported in the literature in individuals affected with CACNA1A-related conditions. ClinVar contains an entry for this variant (Variation ID: 422558). Invitae Evidence Modeling of protein sequence and biophysical properties (such as structural, functional, and spatial information, amino acid conservation, physicochemical variation, residue mobility, and thermodynamic stability) indicates that this missense variant is not expected to disrupt CACNA1A protein function with a negative predictive value of 95%. In summary, the available evidence is currently insufficient to determine the role of this variant in disease. Therefore, it has been classified as a Variant of Uncertain Significance.

Ambry Genetics
Classification: Uncertain significance for Inborn genetic diseases. Last evaluated: 2025-03-19. Review status: criteria provided, single submitter. Criteria: Ambry Variant Classification Scheme 2023. Collection method: clinical testing. Allele origin: germline.
Comment: Unlikely to be causative of CACNA1A-related spinocerebellar ataxia (AD) Based on insufficient or conflicting evidence, the clinical significance of this alteration remains unclear.

New York Genome Center
Classification: Uncertain significance for Developmental and epileptic encephalopathy, 42. Last evaluated: 2021-03-05. Review status: criteria provided, single submitter. Criteria: NYGC Assertion Criteria 2020. Collection method: clinical testing. Allele origin: inherited. Observed: 1 heterozygote. Study: CSER-NYCKidSeq.

GeneDx
Classification: Uncertain significance. Last evaluated: 2017-06-12. Review status: criteria provided, single submitter. Criteria: GeneDx Variant Classification (06012015). Collection method: clinical testing. Allele origin: germline. Affected: yes.
Comment: The A10V variant has not been published as a pathogenic variant, nor has it been reported as a benign variant to our knowledge. The A10V variant is not observed in large population cohorts; however, limited data are available (Lek et al., 2016; 1000 Genomes Consortium et al., 2015; Exome Variant Server). The A10V variant is a conservative amino acid substitution, which is not likely to impact secondary protein structure as these residues share similar properties, and this substitution occurs at a position that is not conserved. However, in silico analysis is inconsistent in its predictions as to whether or not the variant is damaging to the protein structure/function. Therefore, based on the currently available information, it is unclear whether this variant is a pathogenic variant or a rare benign variant.

NM_001127222.2(CACNA1A):c.29C>T (p.Ala10Val)

Gene: CACNA1A (calcium voltage-gated channel subunit alpha1 A; minus strand). Cytogenetic location: 19p13.13.
Variant type: single nucleotide variant.
Coding change: c.29C>T on transcript NM_001127222.2 (MANE Select); coding-DNA position 29, C replaced by T.
Protein change: p.Ala10Val; replaces alanine 10 with valine.
Molecular consequence: missense variant.
Genome position (GRCh38, 1-based): chr19:13,506,196, G>A on the plus strand (C>T on the coding strand, the complement: CACNA1A is on the minus strand). VCF-style: chr19-13506196-G-A. GRCh37 (hg19) VCF-style: chr19-13617010-G-A.
Other names: c.29C>T, p.Ala10Val (NM_000068.4, NM_001127221.2, NM_001174080.2 and 1 more transcripts); short protein forms A10V.
Identifiers: ClinVar variation 422558 (VCV000422558.13), dbSNP rs952757731, ClinGen allele CA16620803.